The following is an entry in ClinVar:

NM_001283009.2(RTEL1):c.2943G>C (p.Glu981Asp)

Genes: RTEL1 (regulator of telomere elongation helicase 1; plus strand), RTEL1-TNFRSF6B (RTEL1-TNFRSF6B readthrough (NMD candidate); plus strand). Cytogenetic location: 20q13.33.
Variant type: single nucleotide variant.
Coding change: c.2943G>C on transcript NM_001283009.2 (MANE Select); coding-DNA position 2943, G replaced by C.
Protein change: p.Glu981Asp; replaces glutamic acid 981 with aspartic acid.
Molecular consequence: missense variant. On other transcripts: non-coding transcript variant (1).
Genome position (GRCh38, 1-based): chr20:63,693,234, G>C. VCF-style: chr20-63693234-G-C. GRCh37 (hg19) VCF-style: chr20-62324587-G-C.
Other names: c.2274G>C, p.Glu758Asp (NM_001283010.1); c.2943G>C, p.Glu981Asp (NM_016434.4); c.3015G>C, p.Glu1005Asp (NM_032957.5); short protein forms E758D, E981D, E1005D.
Identifiers: ClinVar variation 3587613 (VCV003587613.4).

ClinVar aggregate classification (germline): Uncertain significance. Review status: criteria provided, multiple submitters, no conflicts (2 of 4 stars). 3 submissions from 3 submitters: Uncertain significance (3). Last evaluated 2025-04-18.

Conditions:
Dyskeratosis congenita, autosomal recessive 5 (DKCB5). Identifiers: MedGen C3554656, MONDO:0014076, OMIM 615190.
Pulmonary fibrosis and/or bone marrow failure, Telomere-related, 3. Also called: PULMONARY FIBROSIS AND/OR BONE MARROW FAILURE SYNDROME, TELOMERE-RELATED, 3. Identifiers: Orphanet 2032, MedGen C4225346, MONDO:0014613, OMIM 616373.
Inborn genetic diseases. Identifiers: MedGen C0950123, MeSH D030342.

gnomAD v4.1: 4 of 1,611,936 alleles (0.00025%); highest among the groups gnomAD compares: African/African-American, 0.004%; no homozygotes.

Submissions (3):

Labcorp Genetics (formerly Invitae), Labcorp
Classification: Uncertain significance for Dyskeratosis congenita, autosomal recessive 5; Pulmonary fibrosis and/or bone marrow failure, Telomere-related, 3. Last evaluated: 2025-04-18. Review status: criteria provided, single submitter. Criteria: Invitae Variant Classification Sherloc (09022015). Collection method: clinical testing. Allele origin: germline.
Comment: This sequence change replaces glutamic acid, which is acidic and polar, with aspartic acid, which is acidic and polar, at codon 981 of the RTEL1 protein (p.Glu981Asp). This variant is present in population databases (no rsID available, gnomAD 0.01%). This variant has not been reported in the literature in individuals affected with RTEL1-related conditions. ClinVar contains an entry for this variant (Variation ID: 3587613). An algorithm developed to predict the effect of missense changes on protein structure and function (PolyPhen-2) suggests that this variant is likely to be tolerated. In summary, the available evidence is currently insufficient to determine the role of this variant in disease. Therefore, it has been classified as a Variant of Uncertain Significance.

Ambry Genetics
Classification: Uncertain significance for Inborn genetic diseases. Last evaluated: 2025-02-07. Review status: criteria provided, single submitter. Criteria: Ambry Variant Classification Scheme 2023. Collection method: clinical testing. Allele origin: germline.
Comment: The p.E981D variant (also known as c.2943G>C), located in coding exon 29 of the RTEL1 gene, results from a G to C substitution at nucleotide position 2943. The glutamic acid at codon 981 is replaced by aspartic acid, an amino acid with highly similar properties. This amino acid position is conserved. In addition, this alteration is predicted to be tolerated by in silico analysis. Based on the available evidence, the clinical significance of this variant remains unclear.

Fulgent Genetics
Classification: Uncertain significance for Dyskeratosis congenita, autosomal recessive 5; Pulmonary fibrosis and/or bone marrow failure, Telomere-related, 3. Last evaluated: 2024-03-13. Review status: criteria provided, single submitter. Criteria: ACMG Guidelines, 2015. Collection method: clinical testing. Allele origin: germline.